The following is an entry in ClinVar:

ClinVar aggregate classification (germline): Uncertain significance (1 of 4 stars; one submission).

Conditions:
Aortic aneurysm, familial thoracic 7 (AAT7). Also called: AORTIC DISSECTION, FAMILIAL, WITH OR WITHOUT AORTIC ANEURYSM. Identifiers: MedGen C3151077, MONDO:0013418, OMIM 613780.

gnomAD v4.1: 1 of 1,614,128 alleles (0.000062%); highest among the groups gnomAD compares: Non-Finnish European, 0.000085%; no homozygotes.

Submission:

Labcorp Genetics (formerly Invitae), Labcorp
Classification: Uncertain significance for Aortic aneurysm, familial thoracic 7. Last evaluated: 2025-06-30. Review status: criteria provided, single submitter. Criteria: Invitae Variant Classification Sherloc (09022015). Collection method: clinical testing. Allele origin: germline.
Comment: This sequence change replaces serine, which is neutral and polar, with glycine, which is neutral and non-polar, at codon 725 of the MYLK protein (p.Ser725Gly). This variant is present in population databases (no rsID available, gnomAD 0.0009%). This variant has not been reported in the literature in individuals affected with MYLK-related conditions. Invitae Evidence Modeling of protein sequence and biophysical properties (such as structural, functional, and spatial information, amino acid conservation, physicochemical variation, residue mobility, and thermodynamic stability) indicates that this missense variant is not expected to disrupt MYLK protein function with a negative predictive value of 80%. In summary, the available evidence is currently insufficient to determine the role of this variant in disease. Therefore, it has been classified as a Variant of Uncertain Significance.

NM_053025.4(MYLK):c.2173A>G (p.Ser725Gly)

Gene: MYLK (myosin light chain kinase; minus strand). Cytogenetic location: 3q21.1.
Variant type: single nucleotide variant.
Coding change: c.2173A>G on transcript NM_053025.4 (MANE Select); coding-DNA position 2173, A replaced by G.
Protein change: p.Ser725Gly; replaces serine 725 with glycine.
Molecular consequence: missense variant.
Genome position (GRCh38, 1-based): chr3:123,707,971, T>C on the plus strand (A>G on the coding strand, the complement: MYLK is on the minus strand). VCF-style: chr3-123707971-T-C. GRCh37 (hg19) VCF-style: chr3-123426818-T-C.
Other names: c.1645A>G, p.Ser549Gly (NM_001321309.2); c.1966A>G, p.Ser656Gly (NM_053026.4, NM_053028.4); c.2173A>G, p.Ser725Gly (NM_053027.4); short protein forms S549G, S656G, S725G.
Identifiers: ClinVar variation 4742404 (VCV004742404.1).